The following is an entry in ClinVar:

NM_016938.5(EFEMP2):c.1010G>A (p.Arg337Gln)

Gene: EFEMP2 (EGF-like fibulin extracellular matrix protein 2; minus strand). Cytogenetic location: 11q13.1.
Variant type: single nucleotide variant.
Coding change: c.1010G>A on transcript NM_016938.5 (MANE Select); coding-DNA position 1010, G replaced by A.
Protein change: p.Arg337Gln; replaces arginine 337 with glutamine.
Molecular consequence: missense variant. On other transcripts: non-coding transcript variant (1).
Genome position (GRCh38, 1-based): chr11:65,868,021, C>T on the plus strand (G>A on the coding strand, the complement: EFEMP2 is on the minus strand). VCF-style: chr11-65868021-C-T. GRCh37 (hg19) VCF-style: chr11-65635492-C-T.
Other names: short protein forms R337Q.
Identifiers: ClinVar variation 1472847 (VCV001472847.5), dbSNP rs755197148, ClinGen allele CA6110436.

ClinVar aggregate classification (germline): Uncertain significance. Review status: criteria provided, multiple submitters, no conflicts (2 of 4 stars). 2 submissions from 2 submitters: Uncertain significance (2). Last evaluated 2023-11-17.

Conditions:
Cardiovascular phenotype. Identifiers: MedGen CN230736.
Cutis laxa, autosomal recessive, type 1B (ARCL1B). Also called: EFEMP2-Related Cutis Laxa; CUTIS LAXA, AUTOSOMAL RECESSIVE, TYPE IB. Identifiers: Orphanet 90349, MedGen C3280798, MONDO:0013754, OMIM 614437. Disease mechanism: loss of function.

Allele frequency attached by ClinVar (database versions not stated): gnomAD exomes 0.00001; ExAC 0.00002; gnomAD 0.00002 and 0.00003; TOPMed 0.00004.
gnomAD v4.1: 24 of 1,613,804 alleles (0.0015%); highest among the groups gnomAD compares: African/African-American, 0.0093%; no homozygotes.

Submissions (2):

Ambry Genetics
Classification: Uncertain significance for Cardiovascular phenotype. Last evaluated: 2023-11-17. Review status: criteria provided, single submitter. Criteria: Ambry Variant Classification Scheme 2023. Collection method: clinical testing. Allele origin: germline.
Comment: The p.R337Q variant (also known as c.1010G>A), located in coding exon 9 of the EFEMP2 gene, results from a G to A substitution at nucleotide position 1010. The arginine at codon 337 is replaced by glutamine, an amino acid with highly similar properties. This amino acid position is well conserved in available vertebrate species. In addition, this alteration is predicted to be tolerated by in silico analysis. Since supporting evidence is limited at this time, the clinical significance of this alteration remains unclear.

Labcorp Genetics (formerly Invitae), Labcorp
Classification: Uncertain significance for Cutis laxa, autosomal recessive, type 1B. Last evaluated: 2021-08-04. Review status: criteria provided, single submitter. Criteria: Invitae Variant Classification Sherloc (09022015). Collection method: clinical testing. Allele origin: germline.
Comment: This sequence change replaces arginine with glutamine at codon 337 of the EFEMP2 protein (p.Arg337Gln). The arginine residue is highly conserved and there is a small physicochemical difference between arginine and glutamine. This variant is present in population databases (rs755197148, ExAC 0.02%). This variant has not been reported in the literature in individuals affected with EFEMP2-related conditions. Algorithms developed to predict the effect of missense changes on protein structure and function are either unavailable or do not agree on the potential impact of this missense change (SIFT: "Deleterious"; PolyPhen-2: "Benign"; Align-GVGD: "Class C35"). In summary, the available evidence is currently insufficient to determine the role of this variant in disease. Therefore, it has been classified as a Variant of Uncertain Significance.